The following is an entry in ClinVar:

NM_001130144.3(LTBP3):c.671C>G (p.Pro224Arg)

Gene: LTBP3 (latent transforming growth factor beta binding protein 3; minus strand). Cytogenetic location: 11q13.1.
Variant type: single nucleotide variant.
Coding change: c.671C>G on transcript NM_001130144.3 (MANE Select); coding-DNA position 671, C replaced by G.
Protein change: p.Pro224Arg; replaces proline 224 with arginine.
Molecular consequence: missense variant.
Genome position (GRCh38, 1-based): chr11:65,553,894, G>C on the plus strand (C>G on the coding strand, the complement: LTBP3 is on the minus strand). VCF-style: chr11-65553894-G-C. GRCh37 (hg19) VCF-style: chr11-65321365-G-C.
Other names: c.320C>G, p.Pro107Arg (NM_001164266.1); c.671C>G, p.Pro224Arg (NM_021070.4); short protein forms P107R, P224R.
Identifiers: ClinVar variation 2307468 (VCV002307468.8), dbSNP rs889173987, ClinGen allele CA223969878.

ClinVar aggregate classification (germline): Uncertain significance. Review status: criteria provided, multiple submitters, no conflicts (2 of 4 stars). 3 submissions from 3 submitters: Uncertain significance (3). Last evaluated 2025-07-15.

Conditions:
Inborn genetic diseases. Identifiers: MedGen C0950123, MeSH D030342.
Brachyolmia-amelogenesis imperfecta syndrome. Also called: Tooth agenesis, selective, 6; Dental anomalies and short stature; PLATYSPONDYLY WITH AMELOGENESIS IMPERFECTA. Identifiers: Orphanet 2899, MedGen C1832594, MONDO:0011018, OMIM 601216. Disease mechanism: loss of function.

Allele frequency attached by ClinVar (database versions not stated): TOPMed 0.00002.
gnomAD v4.1: 1 of 1,547,652 alleles (0.000065%); highest among the groups gnomAD compares: Non-Finnish European, 0.000087%; no homozygotes.

Submissions (3):

Labcorp Genetics (formerly Invitae), Labcorp
Classification: Uncertain significance for Brachyolmia-amelogenesis imperfecta syndrome. Last evaluated: 2025-07-15. Review status: criteria provided, single submitter. Criteria: Invitae Variant Classification Sherloc (09022015). Collection method: clinical testing. Allele origin: germline.
Comment: This sequence change replaces proline, which is neutral and non-polar, with arginine, which is basic and polar, at codon 224 of the LTBP3 protein (p.Pro224Arg). This variant is not present in population databases (gnomAD no frequency). This variant has not been reported in the literature in individuals affected with LTBP3-related conditions. ClinVar contains an entry for this variant (Variation ID: 2307468). An algorithm developed to predict the effect of missense changes on protein structure and function (PolyPhen-2) suggests that this variant is likely to be disruptive. In summary, the available evidence is currently insufficient to determine the role of this variant in disease. Therefore, it has been classified as a Variant of Uncertain Significance.

Ambry Genetics
Classification: Uncertain significance for Inborn genetic diseases. Last evaluated: 2025-06-17. Review status: criteria provided, single submitter. Criteria: Ambry Variant Classification Scheme 2023. Collection method: clinical testing. Allele origin: germline.
Comment: The p.P224R variant (also known as c.671C>G), located in coding exon 3 of the LTBP3 gene, results from a C to G substitution at nucleotide position 671. The proline at codon 224 is replaced by arginine, an amino acid with dissimilar properties. This amino acid position is conserved. In addition, the in silico prediction for this alteration is inconclusive. Based on the available evidence, the clinical significance of this variant remains unclear.

Revvity Omics, Revvity
Classification: Uncertain significance. Last evaluated: 2022-04-14. Review status: criteria provided, single submitter. Criteria: ACMG Guidelines, 2015. Collection method: clinical testing. Allele origin: germline.